The following is an entry in ClinVar:

NM_024675.4(PALB2):c.1733G>A (p.Ser578Asn)

Gene: PALB2 (partner and localizer of BRCA2; minus strand). Cytogenetic location: 16p12.2.
Variant type: single nucleotide variant.
Coding change: c.1733G>A on transcript NM_024675.4 (MANE Select); coding-DNA position 1733, G replaced by A.
Protein change: p.Ser578Asn; replaces serine 578 with asparagine.
Molecular consequence: missense variant. On other transcripts: 5 prime UTR variant (2), intron variant (1).
Genome position (GRCh38, 1-based): chr16:23,630,421, C>T on the plus strand (G>A on the coding strand, the complement: PALB2 is on the minus strand). VCF-style: chr16-23630421-C-T. GRCh37 (hg19) VCF-style: chr16-23641742-C-T.
Other names: c.1673G>A, p.Ser558Asn (NM_001407296.1); c.1733G>A, p.Ser578Asn (NM_001407297.1, NM_001407298.1, NM_001407299.1 and 3 more transcripts); c.848G>A, p.Ser283Asn (NM_001407304.1, NM_001407305.1, NM_001407306.1 and 5 more transcripts); c.-56G>A (NM_001407312.1, NM_001407313.1); c.49-1146G>A (NM_001407314.1); short protein forms S283N, S558N, S578N.
Identifiers: ClinVar variation 3648389 (VCV003648389.2).

ClinVar aggregate classification (germline): Uncertain significance (1 of 4 stars; one submission).

Conditions:
Familial cancer of breast. Also called: hereditary breast carcinoma; BREAST CANCER, FAMILIAL; Hereditary breast cancer. Identifiers: Orphanet 227535, MedGen C0346153, MONDO:0016419, OMIM 114480. Disease mechanism: loss of function.

Submission:

Labcorp Genetics (formerly Invitae), Labcorp
Classification: Uncertain significance for Familial cancer of breast. Last evaluated: 2024-04-02. Review status: criteria provided, single submitter. Criteria: Invitae Variant Classification Sherloc (09022015). Collection method: clinical testing. Allele origin: germline.
Comment: This sequence change replaces serine, which is neutral and polar, with asparagine, which is neutral and polar, at codon 578 of the PALB2 protein (p.Ser578Asn). This variant is not present in population databases (gnomAD no frequency). This variant has not been reported in the literature in individuals affected with PALB2-related conditions. Advanced modeling of protein sequence and biophysical properties (such as structural, functional, and spatial information, amino acid conservation, physicochemical variation, residue mobility, and thermodynamic stability) performed at Invitae indicates that this missense variant is not expected to disrupt PALB2 protein function with a negative predictive value of 80%. In summary, the available evidence is currently insufficient to determine the role of this variant in disease. Therefore, it has been classified as a Variant of Uncertain Significance.